The following is an entry in ClinVar:

ClinVar aggregate classification (germline): Likely benign. Review status: criteria provided, multiple submitters, no conflicts (2 of 4 stars). 5 submissions from 3 submitters: Likely benign (5). Last evaluated 2025-11-12.

Conditions:
Rabson-Mendenhall syndrome. Also called: MENDENHALL SYNDROME; Pineal Hyperplasia, Insulin-Resistant Diabetes Mellitus, and Somatic Abnormalities; Pineal hyperplasia AND diabetes mellitus syndrome. Identifiers: Orphanet 769, MedGen C0271695, MONDO:0009874, OMIM 262190.
Leprechaunism syndrome. Also called: Donohue syndrome; LEPRECHAUNISM. Identifiers: Orphanet 508, MedGen C0265344, MONDO:0009517, OMIM 246200.
Insulin-resistant diabetes mellitus AND acanthosis nigricans. Also called: Insulin-resistance syndrome type A; INSULIN RECEPTOR, DEFECT IN, WITH INSULIN-RESISTANT DIABETES MELLITUS AND ACANTHOSIS NIGRICANS; IRAN, TYPE A; type A insulin resistance; DIABETES MELLITUS, INSULIN-RESISTANT, WITH ACANTHOSIS NIGRICANS, TYPE A. Identifiers: Orphanet 2297, MedGen C0342278, MONDO:0012520, OMIM 610549.

Allele frequency attached by ClinVar (database versions not stated): gnomAD 0.00001 and 0.00004; gnomAD exomes 0.00006 and 0.00012; TOPMed 0.00006; ExAC 0.00010; 1000 Genomes Project 0.00040; 1000 Genomes Project 30x 0.00047.
gnomAD v4.1: 85 of 1,614,170 alleles (0.0053%); highest among the groups gnomAD compares: East Asian, 0.18%; no homozygotes.

Submissions (5):

Women's Health and Genetics/Laboratory Corporation of America, LabCorp
Classification: Likely benign. Last evaluated: 2025-11-12. Review status: criteria provided, single submitter. Criteria: LabCorp Variant Classification Summary - May 2015. Collection method: clinical testing. Allele origin: germline.
Comment: Variant summary: INSR c.2572A>G (p.Thr858Ala) results in a non-conservative amino acid change in the encoded protein sequence. Algorithms developed to predict the effect of missense changes on protein structure and function are either unavailable or do not agree on the potential impact of this missense change. The variant allele was found at a frequency of 0.00012 in 251466 control chromosomes, predominantly at a frequency of 0.0017 within the East Asian subpopulation in the gnomAD database. The observed variant frequency within East Asian control individuals in the gnomAD database exceeds the estimated maximal expected allele frequency for disease-causing variants in INSR. c.2572A>G has been observed in individuals of East Asian ancestry affected with non-insulin-dependent diabetes mellitus, without strong evidence for causality (e.g. Kan_1995). This report does not provide unequivocal conclusions about association of the variant with Familial Hyperinsulinemic Hypoglycemia. At least one publication reports experimental evidence evaluating an impact on protein function and showed no damaging effect of this variant (e.g. Kan_1995). The following publication has been ascertained in the context of this evaluation (PMID: 7657032). ClinVar contains an entry for this variant (Variation ID: 330456). Based on the evidence outlined above, the variant was classified as likely benign.

Mendelics
Classification: Likely benign for Insulin-resistant diabetes mellitus AND acanthosis nigricans. Last evaluated: 2019-05-28. Review status: criteria provided, single submitter. Criteria: Mendelics Assertion Criteria 2017. Collection method: clinical testing. Allele origin: unknown.

Illumina Laboratory Services, Illumina
Classification: Likely benign for Rabson-Mendenhall syndrome. Last evaluated: 2017-04-27. Review status: criteria provided, single submitter. Criteria: ICSL Variant Classification Criteria 13 December 2019. Collection method: clinical testing. Allele origin: germline.
Comment: This variant was observed as part of a predisposition screen in an ostensibly healthy population. A literature search was performed for the gene, cDNA change, and amino acid change (where applicable). No publications were found based on this search. Allele frequency data from public databases allowed determination this variant is unlikely to cause disease. Therefore, this variant is classified as likely benign.

Illumina Laboratory Services, Illumina
Classification: Likely benign for Leprechaunism syndrome. Last evaluated: 2017-04-27. Review status: criteria provided, single submitter. Criteria: ICSL Variant Classification Criteria 13 December 2019. Collection method: clinical testing. Allele origin: germline.
Comment: the same text as in the submission from Illumina Laboratory Services, Illumina above.

Illumina Laboratory Services, Illumina
Classification: Likely benign for Insulin-resistant diabetes mellitus AND acanthosis nigricans. Last evaluated: 2017-04-27. Review status: criteria provided, single submitter. Criteria: ICSL Variant Classification Criteria 13 December 2019. Collection method: clinical testing. Allele origin: germline.
Comment: the same text as in the submission from Illumina Laboratory Services, Illumina above.

Literature cited by the submitters: PubMed 7657032 (cited by Women's Health and Genetics/Laboratory Corporation of America, LabCorp).

NM_000208.4(INSR):c.2572A>G (p.Thr858Ala)

Gene: INSR (insulin receptor; minus strand). Cytogenetic location: 19p13.2.
Variant type: single nucleotide variant.
Coding change: c.2572A>G on transcript NM_000208.4 (MANE Select); coding-DNA position 2572, A replaced by G.
Protein change: p.Thr858Ala; replaces threonine 858 with alanine.
Molecular consequence: missense variant.
Genome position (GRCh38, 1-based): chr19:7,141,787, T>C on the plus strand (A>G on the coding strand, the complement: INSR is on the minus strand). VCF-style: chr19-7141787-T-C. GRCh37 (hg19) VCF-style: chr19-7141798-T-C.
Other names: c.2536A>G, p.Thr846Ala (NM_001079817.3); short protein forms T858A, T846A.
Identifiers: ClinVar variation 330456 (VCV000330456.7), dbSNP rs182552223, ClinGen allele CA9135512.